The following is an entry in ClinVar:

ClinVar aggregate classification (germline): Uncertain significance (1 of 4 stars; one submission).

Conditions:
Retinitis pigmentosa 60 (RP60). Also called: PRPF 6-Related Retinitis Pigmentosa. Identifiers: Orphanet 791, MedGen C3151434, MONDO:0013516, OMIM 613983.

gnomAD v4.1: 2 of 1,614,172 alleles (0.00012%); highest among the groups gnomAD compares: East Asian, 0.0022%; no homozygotes.

Submission:

Centre for Mendelian Genomics, University Medical Centre Ljubljana
Classification: Uncertain significance for Retinitis pigmentosa 60. Last evaluated: 2019-11-25. Review status: criteria provided, single submitter. Criteria: ACMG Guidelines, 2015. Collection method: clinical testing. Allele origin: unknown. Affected: yes.
Comment: This variant was classified as: Uncertain significance. The available evidence on this variant's pathogenicity is insufficient or conflicting. The following ACMG criteria were applied in classifying this variant: PM2,BP4.

NM_012469.4(PRPF6):c.1186+13C>G

Gene: PRPF6 (pre-mRNA processing factor 6; plus strand). Cytogenetic location: 20q13.33.
Variant type: single nucleotide variant.
Coding change: c.1186+13C>G on transcript NM_012469.4 (MANE Select); 13 bases into the intron after coding-DNA position 1186, C replaced by G.
Molecular consequence: intron variant.
Genome position (GRCh38, 1-based): chr20:64,001,252, C>G. VCF-style: chr20-64001252-C-G. GRCh37 (hg19) VCF-style: chr20-62632605-C-G.
Identifiers: ClinVar variation 930600 (VCV000930600.3), dbSNP rs376567998, ClinGen allele CA1139666812.